The following is an entry in ClinVar:

NM_000179.3(MSH6):c.3642del (p.Glu1214fs)

Gene: MSH6 (mutS homolog 6; plus strand). Cytogenetic location: 2p16.3.
Variant type: Deletion.
Coding change: c.3642del on transcript NM_000179.3 (MANE Select); coding-DNA position 3642, one base deleted (A; older notation c.3642delA).
Protein change: p.Glu1214fs; shifts the reading frame from glutamic acid 1214.
Molecular consequence: frameshift variant.
Genome position (GRCh38, 1-based): chr2:47,805,703, A deleted; the last of 2 consecutive A bases (chr2:47,805,702-47,805,703); deleting either gives the same sequence. VCF-style (leftmost placement, unchanged base first): chr2-47805701-GA-G. GRCh37 (hg19) VCF-style: chr2-48032840-GA-G.
Other names: c.3252del, p.Glu1084fs (NM_001281492.2); c.2736del, p.Glu912fs (NM_001281493.2, NM_001281494.2); c.3738delA, p.Glu1246Aspfs (NM_001406795.1, NM_001406802.1); c.3642delA, p.Glu1214Aspfs (NM_001406796.1, NM_001406800.1, NM_001406808.1 and 1 more transcripts); c.3345delA, p.Glu1115Aspfs (NM_001406797.1, NM_001406801.1, NM_001406805.1 and 10 more transcripts); c.3468delA, p.Glu1156Aspfs (NM_001406798.1); c.3117delA, p.Glu1039Aspfs (NM_001406799.1, NM_001406806.1, NM_001406807.1); c.2778delA, p.Glu926Aspfs (NM_001406803.1); and 8 more; short protein forms E1084fs, E912fs, E1214fs.
Identifiers: ClinVar variation 1733523 (VCV001733523.2), dbSNP rs2530825755, ClinGen allele CA2580067259.

ClinVar aggregate classification (germline): Pathogenic (1 of 4 stars; one submission).

Conditions:
Hereditary cancer-predisposing syndrome. Also called: Neoplastic Syndromes, Hereditary; Tumor predisposition; Hereditary Cancer Syndrome; Hereditary neoplastic syndrome. Identifiers: Orphanet 140162, MedGen C0027672, MeSH D009386, MONDO:0015356.

Submission:

Ambry Genetics
Classification: Pathogenic for Hereditary cancer-predisposing syndrome. Last evaluated: 2021-12-16. Review status: criteria provided, single submitter. Criteria: Ambry Variant Classification Scheme 2023. Collection method: clinical testing. Allele origin: germline.
Comment: The c.3642delA pathogenic mutation, located in coding exon 7 of the MSH6 gene, results from a deletion of one nucleotide at nucleotide position 3642, causing a translational frameshift with a predicted alternate stop codon (p.E1214Dfs*2). This alteration is expected to result in loss of function by premature protein truncation or nonsense-mediated mRNA decay. As such, this alteration is interpreted as a disease-causing mutation.